The following is an entry in ClinVar:

ClinVar aggregate classification (germline): Uncertain significance (1 of 4 stars; one submission).

Conditions:
Duchenne muscular dystrophy (DMD). Also called: MUSCULAR DYSTROPHY, PSEUDOHYPERTROPHIC PROGRESSIVE, DUCHENNE TYPE; Duchenne Muscular Dystrophy (DMD). Identifiers: Orphanet 98896, MedGen C0013264, MONDO:0010679, OMIM 310200.

Submission:

Labcorp Genetics (formerly Invitae), Labcorp
Classification: Uncertain significance for Duchenne muscular dystrophy. Last evaluated: 2025-08-26. Review status: criteria provided, single submitter. Criteria: Invitae Variant Classification Sherloc (09022015). Collection method: clinical testing. Allele origin: germline.
Comment: This sequence change replaces valine, which is neutral and non-polar, with alanine, which is neutral and non-polar, at codon 1824 of the DMD protein (p.Val1824Ala). This variant is not present in population databases (gnomAD no frequency). This variant has not been reported in the literature in individuals affected with DMD-related conditions. ClinVar contains an entry for this variant (Variation ID: 2758721). Invitae Evidence Modeling of protein sequence and biophysical properties (such as structural, functional, and spatial information, amino acid conservation, physicochemical variation, residue mobility, and thermodynamic stability) indicates that this missense variant is not expected to disrupt DMD protein function with a negative predictive value of 95%. In summary, the available evidence is currently insufficient to determine the role of this variant in disease. Therefore, it has been classified as a Variant of Uncertain Significance.

NM_004006.3(DMD):c.5471T>C (p.Val1824Ala)

Gene: DMD (dystrophin; minus strand). Cytogenetic location: Xp21.1.
Variant type: single nucleotide variant.
Coding change: c.5471T>C on transcript NM_004006.3 (MANE Select); coding-DNA position 5471, T replaced by C.
Protein change: p.Val1824Ala; replaces valine 1824 with alanine.
Molecular consequence: missense variant.
Genome position (GRCh38, 1-based): chrX:32,346,058, A>G on the plus strand (T>C on the coding strand, the complement: DMD is on the minus strand). VCF-style: chrX-32346058-A-G. GRCh37 (hg19) VCF-style: chrX-32364175-A-G.
Other names: c.5447T>C, p.Val1816Ala (NM_000109.4); c.5459T>C, p.Val1820Ala (NM_004009.3); c.5102T>C, p.Val1701Ala (NM_004010.3); c.1448T>C, p.Val483Ala (NM_004011.4); c.1439T>C, p.Val480Ala (NM_004012.4); short protein forms V1816A, V1824A, V483A, V1701A, V1820A, V480A.
Identifiers: ClinVar variation 2758721 (VCV002758721.3), dbSNP rs1270252499, ClinGen allele CA412667464.